The following is an entry in ClinVar:

NM_001378778.1(MPDZ):c.3734G>A (p.Arg1245Lys)

Gene: MPDZ (multiple PDZ domain crumbs cell polarity complex component; minus strand). Cytogenetic location: 9p23.
Variant type: single nucleotide variant.
Coding change: c.3734G>A on transcript NM_001378778.1 (MANE Select); coding-DNA position 3734, G replaced by A.
Protein change: p.Arg1245Lys; replaces arginine 1245 with lysine.
Molecular consequence: missense variant. On other transcripts: intron variant (8).
Genome position (GRCh38, 1-based): chr9:13,147,555, C>T on the plus strand (G>A on the coding strand, the complement: MPDZ is on the minus strand). VCF-style: chr9-13147555-C-T. GRCh37 (hg19) VCF-style: chr9-13147554-C-T.
Other names: c.3734G>A (NM_003829.3); c.3734G>A, p.Arg1245Lys (NM_001330637.2, NM_001375413.1, NM_001375416.1 and 6 more transcripts); c.3630+2956G>A (NM_001375425.1, NM_001375420.1, NM_001375423.1 and 4 more transcripts); c.3432+2956G>A (NM_001375427.1); short protein forms R1245K.
Identifiers: ClinVar variation 2702574 (VCV002702574.3), dbSNP rs372867224, ClinGen allele CA4987018.
Genomic context (GRCh38, chr9:13,147,555, plus strand): 5'-TCCAAGTTGAACACTGTTTGGATATGCCTACCTTGCCCTTTGTGTTCGCTTACCCTTGGT[C>T]TGTTTATAATGCTCTGTACCATAAAGACTACAGGGTTGCCTGCTTTCCGAATGGCTTCCA-3'
Protein context (NP_001365707.1, residues 1235-1255): VVFMVQSIIN[Arg1245Lys]PRKSPLPSLL

ClinVar aggregate classification (germline): Uncertain significance. Review status: criteria provided, multiple submitters, no conflicts (2 of 4 stars). 2 submissions from 2 submitters: Uncertain significance (2). Last evaluated 2025-12-15.

Conditions:
Inborn genetic diseases. Identifiers: MedGen C0950123, MeSH D030342.

Allele frequency attached by ClinVar (database versions not stated): ExAC 0.00002; gnomAD 0.00004; TOPMed 0.00004; ESP Exome Variant Server 0.00008; gnomAD exomes 0.00009.
gnomAD v4.1: 151 of 1,611,268 alleles (0.0094%); highest among the groups gnomAD compares: Non-Finnish European, 0.012%; no homozygotes.

Submissions (2):

Ambry Genetics
Classification: Uncertain significance for Inborn genetic diseases. Last evaluated: 2025-12-15. Review status: criteria provided, single submitter. Criteria: Ambry Variant Classification Scheme 2023. Collection method: clinical testing. Allele origin: germline.

Labcorp Genetics (formerly Invitae), Labcorp
Classification: Uncertain significance. Last evaluated: 2022-12-15. Review status: criteria provided, single submitter. Criteria: Invitae Variant Classification Sherloc (09022015). Collection method: clinical testing. Allele origin: germline.
Comment: This sequence change replaces arginine, which is basic and polar, with lysine, which is basic and polar, at codon 1245 of the MPDZ protein (p.Arg1245Lys). This variant is present in population databases (rs372867224, gnomAD 0.004%). In summary, the available evidence is currently insufficient to determine the role of this variant in disease. Therefore, it has been classified as a Variant of Uncertain Significance. Algorithms developed to predict the effect of missense changes on protein structure and function are either unavailable or do not agree on the potential impact of this missense change (SIFT: "Deleterious"; PolyPhen-2: "Benign"; Align-GVGD: "Class C25"). This variant has not been reported in the literature in individuals affected with MPDZ-related conditions.